The following is an entry in ClinVar:

NM_000256.3(MYBPC3):c.2602G>A (p.Gly868Ser)

Gene: MYBPC3 (myosin binding protein C3; minus strand). Cytogenetic location: 11p11.2.
Variant type: single nucleotide variant.
Coding change: c.2602G>A on transcript NM_000256.3 (MANE Select); coding-DNA position 2602, G replaced by A.
Protein change: p.Gly868Ser; replaces glycine 868 with serine.
Molecular consequence: missense variant.
Genome position (GRCh38, 1-based): chr11:47,337,391, C>T on the plus strand (G>A on the coding strand, the complement: MYBPC3 is on the minus strand). VCF-style: chr11-47337391-C-T. GRCh37 (hg19) VCF-style: chr11-47358942-C-T.
Other names: c.2602G>A, p.Gly868Ser (LRG_386t1); short protein forms G868S.
Identifiers: ClinVar variation 518630 (VCV000518630.21), dbSNP rs775890771, ClinGen allele CA078844.

ClinVar aggregate classification (germline): Conflicting classifications of pathogenicity. Review status: criteria provided, conflicting classifications (1 of 4 stars). 9 submissions from 9 submitters: Uncertain significance (8); Likely benign (1). Last evaluated 2026-05-14.

Conditions:
Cardiovascular phenotype. Identifiers: MedGen CN230736.
Left ventricular noncompaction 10 (LVNC10). Identifiers: Orphanet 154, Orphanet 54260, MedGen C3715165, MONDO:0014163, OMIM 615396.
Hypertrophic cardiomyopathy 4. Also called: Familial hypertrophic cardiomyopathy 4. Identifiers: MedGen C1861862, MONDO:0007268, OMIM 115197.
MYBPC3-related disorder. Also called: MYBPC3-related condition; MYBPC3-related disease; MYBPC3-related disorders.
Hypertrophic cardiomyopathy. Also called: HYPERTROPHIC MYOCARDIOPATHY. Identifiers: Orphanet 217569, MedGen C0007194, MeSH D002312, MONDO:0005045, HP:0001639.
Cardiomyopathy (CMYO). Also called: Cardiomyopathies. Identifiers: Orphanet 167848, MedGen C0878544, MONDO:0004994, HP:0001638. Inheritance: Various modes of inheritance.

Allele frequency attached by ClinVar (database versions not stated): gnomAD below 0.00001 and 0.00001; ExAC 0.00004; gnomAD exomes 0.00005 and 0.00006.
gnomAD v4.1: 70 of 1,580,388 alleles (0.0044%); highest among the groups gnomAD compares: South Asian, 0.036%; no homozygotes.

Submissions (9):

PreventionGenetics, part of Exact Sciences
Classification: Uncertain significance for MYBPC3-related condition. Last evaluated: 2026-05-14. Review status: criteria provided, single submitter. Criteria: ACMG Guidelines, 2015. Collection method: clinical testing. Allele origin: germline.
Comment: The MYBPC3 c.2602G>A variant is predicted to result in the amino acid substitution p.Gly868Ser. This variant is predicted to impact splicing based on splicing prediction programs (SpliceAI, Jaganathan et al. 2019. PubMed ID: 30661751). However, the use of computer prediction programs is not equivalent to functional evidence. This variant has been reported in individuals with left ventricular noncompaction (Supplementary Data, Cambon-Viala et al. 2021. PubMed ID: 34088380), dilated cardiomyopathy (DCM) (Peña-Peña et al. 2021. PubMed ID: 32826072), and Wolfe-Parkinson-White syndrome (Table S4, Coban-Akdemir et al. 2020. PubMed ID: 32233023). This variant also segregated with disease in multiple family members, but the family also carried a TTN frameshift variant (Peña-Peña et al. 2021. PubMed ID: 32826072). This variant is reported in 0.029% of alleles in individuals of South Asian descent in gnomAD and is interpreted as uncertain in ClinVar (Variation ID: 518630). At this time, the clinical significance of this variant is uncertain due to the absence of conclusive functional and genetic evidence.

Ambry Genetics
Classification: Uncertain significance for Cardiovascular phenotype. Last evaluated: 2025-11-03. Review status: criteria provided, single submitter. Criteria: Ambry Variant Classification Scheme 2023. Collection method: clinical testing. Allele origin: germline.
Comment: The p.G868S variant (also known as c.2602G>A), located in coding exon 25 of the MYBPC3 gene, results from a G to A substitution at nucleotide position 2602. The glycine at codon 868 is replaced by serine, an amino acid with similar properties. However, this change occurs in the last base pair of coding exon 25 and may have some effect on normal mRNA splicing. In a minigene assay, this alteration resulted in some aberrant splicing, as did the reference to a lesser degree; however, the physiologic relevance of these data are unclear (Ito K et al. Proc. Natl. Acad. Sci. U.S.A., 2017 07;114:7689-7694). This nucleotide position is highly conserved in available vertebrate species. In silico splice site analysis for this alteration is inconclusive. The amino acid position is not well conserved in available vertebrate species. In addition, as a missense substitution, this variant is predicted to be benign by in silico analysis. Based on the available evidence, the clinical significance of this variant remains unclear.

Color Diagnostics, LLC DBA Color Health
Classification: Uncertain significance for Cardiomyopathy. Last evaluated: 2024-11-13. Review status: criteria provided, single submitter. Criteria: ACMG Guidelines, 2015. Collection method: clinical testing. Allele origin: germline.
Comment: This missense variant replaces glycine with serine at codon 868 of the MYBPC3 protein. Computational prediction suggests that this variant may not impact protein structure and function. However, this variant causes a G>A nucleotide substitution at the last nucleotide of exon 25 of the MYBPC3 gene, and splice site prediction tools suggest that this variant may impact RNA splicing. An experimental mini-gene splicing assay has shown that this variant may cause partially aberrant splicing (PMID: 28679633); the clinical relevance of this observation is not known. This variant has been reported in an individual affected with dilated cardiomyopathy who also carried a pathogenic truncation variant in the TTN gene that could explain the observed phenotype (PMID: 32826072). This variant has also been reported in an individual affected with Wolff-Parkinson-White syndrome, supraventricular tachycardia, and Ebstein anomaly (PMID: 32233023) and in an individual affected with left ventricular noncompaction (PMID: 30471092). This variant has been identified in 14/227862 chromosomes in the general population by the Genome Aggregation Database (gnomAD). The available evidence is insufficient to determine the role of this variant in disease conclusively. Therefore, this variant is classified as a Variant of Uncertain Significance.

Blueprint Genetics
Classification: Likely benign. Last evaluated: 2024-08-20. Review status: criteria provided, single submitter. Criteria: ACMG Guidelines, 2015. Collection method: clinical testing. Allele origin: germline.

Labcorp Genetics (formerly Invitae), Labcorp
Classification: Uncertain significance for Hypertrophic cardiomyopathy. Last evaluated: 2024-05-06. Review status: criteria provided, single submitter. Criteria: Invitae Variant Classification Sherloc (09022015). Collection method: clinical testing. Allele origin: germline.
Comment: This sequence change replaces glycine, which is neutral and non-polar, with serine, which is neutral and polar, at codon 868 of the MYBPC3 protein (p.Gly868Ser). This variant also falls at the last nucleotide of exon 25, which is part of the consensus splice site for this exon. This variant is present in population databases (rs775890771, gnomAD 0.03%). This missense change has been observed in individual(s) with clinical features of left ventricular noncompaction (PMID: 34088380). ClinVar contains an entry for this variant (Variation ID: 518630). An algorithm developed to predict the effect of missense changes on protein structure and function (PolyPhen-2) suggests that this variant is likely to be tolerated. Variants that disrupt the consensus splice site are a relatively common cause of aberrant splicing (PMID: 17576681, 9536098). Algorithms developed to predict the effect of sequence changes on RNA splicing suggest that this variant may disrupt the consensus splice site. In summary, the available evidence is currently insufficient to determine the role of this variant in disease. Therefore, it has been classified as a Variant of Uncertain Significance.

All of Us Research Program, National Institutes of Health
Classification: Uncertain significance for Hypertrophic cardiomyopathy. Last evaluated: 2023-09-17. Review status: criteria provided, single submitter. Criteria: ACMG Guidelines, 2015. Collection method: clinical testing. Allele origin: germline. Inheritance: Autosomal dominant inheritance. Observed: 3 variant alleles, 3 heterozygotes.
Comment: This missense variant replaces glycine with serine at codon 868 of the MYBPC3 protein. Computational prediction suggests that this variant may not impact protein structure and function (internally defined REVEL score threshold <= 0.5, PMID: 27666373). However, this variant causes a G>A nucleotide substitution at the last nucleotide of exon 25 of the MYBPC3 gene, and splice site prediction tools suggest that this variant may impact RNA splicing. An experimental mini-gene splicing assay has shown that this variant may cause partially aberrant splicing (PMID: 28679633); the clinical relevance of this observation is not known. This variant has been reported in an individual affected with dilated cardiomyopathy who also carried a pathogenic truncation variant in the TTN gene that could explain the observed phenotype (PMID: 32826072). This variant has also been reported in an individual affected with Wolff-Parkinson-White syndrome, supraventricular tachycardia, and Ebstein anomaly (PMID: 32233023) and in an individual affected with left ventricular noncompaction (PMID: 30471092). This variant has been identified in 14/227862 chromosomes in the general population by the Genome Aggregation Database (gnomAD). The available evidence is insufficient to determine the role of this variant in disease conclusively. Therefore, this variant is classified as a Variant of Uncertain Significance.

This study involves interpretation of variants in research participants for the purpose of population health screening. Participant phenotype was not available at the time of variant classification. Additional details can be found in publication PMID: 35346344, PMCID: PMC8962531

Fulgent Genetics
Classification: Uncertain significance for Hypertrophic cardiomyopathy 4; Left ventricular noncompaction 10. Last evaluated: 2022-04-11. Review status: criteria provided, single submitter. Criteria: ACMG Guidelines, 2015. Collection method: clinical testing. Allele origin: unknown.

Women's Health and Genetics/Laboratory Corporation of America, LabCorp
Classification: Uncertain significance. Last evaluated: 2020-01-20. Review status: criteria provided, single submitter. Criteria: LabCorp Variant Classification Summary - May 2015. Collection method: clinical testing. Allele origin: germline.
Comment: Variant summary: MYBPC3 c.2602G>A (p.Gly868Ser) results in a non-conservative amino acid change located in the Fibronectin type III domain (IPR003961) of the encoded protein sequence. Three of four in-silico tools predict a damaging effect of the variant on protein function. Several computational tools predict a significant impact on normal splicing: Two predict the variant abolishes a 5' splicing donor site. Four predict the variant abolishes a 3' acceptor site. However, these predictions have yet to be confirmed by functional studies. The variant allele was found at a frequency of 6.1e-05 in 227862 control chromosomes (gnomAD, exomes only). This frequency is not significantly higher than expected for a pathogenic variant in MYBPC3 causing Cardiomyopathy (6.1e-05 vs 0.001), allowing no conclusion about variant significance. c.2602G>A has been reported in the literature in a healthy individual (Kapplinger_2014). This report does not provide unequivocal conclusions about association of the variant with Cardiomyopathy. To our knowledge, no experimental evidence demonstrating an impact on protein function has been reported. One ClinVar submitter (evaluation after 2014) cites the variant as uncertain significance. Based on the evidence outlined above, the variant was classified as uncertain significance.

CHEO Genetics Diagnostic Laboratory, Children's Hospital of Eastern Ontario
Classification: Uncertain significance for Cardiomyopathy. Last evaluated: 2019-07-05. Review status: criteria provided, single submitter. Criteria: ACMG Guidelines, 2015. Collection method: clinical testing. Allele origin: germline.

Literature cited by the submitters: PubMed 24510615 (cited by Ambry Genetics and Women's Health and Genetics/Laboratory Corporation of America, LabCorp); PubMed 28679633 (cited by 3 submitters); PubMed 30471092 (cited by 3 submitters); PubMed 32233023 (cited by 3 submitters); PubMed 32826072 (cited by 3 submitters); PubMed 34088380 (cited by Ambry Genetics and Labcorp Genetics (formerly Invitae), Labcorp); PubMed 17576681 (cited by Labcorp Genetics (formerly Invitae), Labcorp); PubMed 9536098 (cited by Labcorp Genetics (formerly Invitae), Labcorp).